The following is an entry in ClinVar:

ClinVar aggregate classification (germline): Pathogenic. Review status: no assertion criteria provided (0 of 4 stars). 2 submissions from 2 submitters: Pathogenic (1). 1 of the submissions does not count toward it. Last evaluated 2010-05-11.

Conditions:
Central core myopathy (CMYO1A). Also called: Central core disease; Myopathy, central fibrillar; CONGENITAL MYOPATHY 1A, AUTOSOMAL DOMINANT, WITH SUSCEPTIBILITY TO MALIGNANT HYPERTHERMIA. Identifiers: Orphanet 597, MedGen C5830701, MONDO:0007294, OMIM 117000.

Submissions (2):

GeneReviews
Classification: Pathogenic for Central Core Disease. Last evaluated: 2010-05-11. Review status: no assertion criteria provided. Collection method: curation. Allele origin: unknown.
ClinVar note: Converted during submission from pathologic to Pathogenic.

RYR1 database
No classification provided. Review status: no classification provided. Collection method: not provided. Allele origin: unknown. Not counted in ClinVar's aggregate classification.

NM_000540.3(RYR1):c.14671G>C (p.Gly4891Arg)

Gene: RYR1 (ryanodine receptor 1; plus strand). Cytogenetic location: 19q13.2.
Variant type: single nucleotide variant.
Coding change: c.14671G>C on transcript NM_000540.3 (MANE Select); coding-DNA position 14671, G replaced by C.
Protein change: p.Gly4891Arg; replaces glycine 4891 with arginine.
Molecular consequence: missense variant.
Genome position (GRCh38, 1-based): chr19:38,584,967, G>C. VCF-style: chr19-38584967-G-C. GRCh37 (hg19) VCF-style: chr19-39075607-G-C.
Other names: c.14656G>C, p.Gly4886Arg (NM_001042723.2); short protein forms G4891R, G4886R.
Identifiers: ClinVar variation 65945 (VCV000065945.3), dbSNP rs118192149, ClinGen allele CA024215.
Genomic context (GRCh38, chr19:38,584,967, plus strand): 5'-GAATGAATGAGTGACCAGTGTGCTCCCCTCCCTCAGTGTTACCTGTTTCACATGTACGTG[G>C]GTGTCCGGGCTGGCGGAGGCATTGGGGACGAGATCGAGGACCCCGCGGGTGACGAATACG-3'
Protein context (NP_000531.2, residues 4881-4901): MTCYLFHMYV[Gly4891Arg]VRAGGGIGDE